The following is an entry in ClinVar:

NM_004937.3(CTNS):c.722T>C (p.Leu241Pro)

Gene: CTNS (cystinosin, lysosomal cystine transporter; plus strand). Cytogenetic location: 17p13.2.
Variant type: single nucleotide variant.
Coding change: c.722T>C on transcript NM_004937.3 (MANE Select); coding-DNA position 722, T replaced by C.
Protein change: p.Leu241Pro; replaces leucine 241 with proline.
Molecular consequence: missense variant.
Genome position (GRCh38, 1-based): chr17:3,658,045, T>C. VCF-style: chr17-3658045-T-C. GRCh37 (hg19) VCF-style: chr17-3561339-T-C.
Other names: c.722T>C, p.Leu241Pro (NM_001031681.3, NM_001374492.1); c.281T>C, p.Leu94Pro (NM_001374493.1, NM_001374494.1, NM_001374495.1 and 1 more transcripts); short protein forms L241P, L94P.
Identifiers: ClinVar variation 1966148 (VCV001966148.3), dbSNP rs746649047, ClinGen allele CA8291871.

ClinVar aggregate classification (germline): Uncertain significance. Review status: criteria provided, multiple submitters, no conflicts (2 of 4 stars). 2 submissions from 2 submitters: Uncertain significance (2). Last evaluated 2024-02-21.

Conditions:
Juvenile nephropathic cystinosis. Also called: Later-Onset (Juvenile) Cystinosis; Intermediate Cystinosis; CYSTINOSIS, LATE-ONSET JUVENILE OR ADOLESCENT NEPHROPATHIC TYPE. Identifiers: Orphanet 213, Orphanet 411634, MedGen C0268626, MONDO:0009066, OMIM 219900.
Nephropathic cystinosis (CTNS). Also called: Abderhalden Lignac Kaufmann disease; Abderhalden-Kaufmann-Lignac syndrome; CYSTINOSIN, DEFECT OF; LYSOSOMAL CYSTINE TRANSPORT PROTEIN, DEFECT OF. Identifiers: Orphanet 213, Orphanet 411629, MedGen C2931187, MONDO:0100151, OMIM 219800.
Ocular cystinosis. Also called: Non-Nephropathic (Ocular) Cystinosis; Non-Nephropathic Cystinosis. Identifiers: Orphanet 213, Orphanet 411641, MedGen C2931013, MONDO:0009064, OMIM 219750.
Inborn genetic diseases. Identifiers: MedGen C0950123, MeSH D030342.

Allele frequency attached by ClinVar (database versions not stated): gnomAD exomes below 0.00001; TOPMed below 0.00001; ExAC 0.00001; gnomAD 0.00001.
gnomAD v4.1: 6 of 1,611,632 alleles (0.00037%); highest among the groups gnomAD compares: South Asian, 0.0033%; no homozygotes.

Submissions (2):

Fulgent Genetics
Classification: Uncertain significance for Ocular cystinosis; Nephropathic cystinosis; Juvenile nephropathic cystinosis. Last evaluated: 2024-02-21. Review status: criteria provided, single submitter. Criteria: ACMG Guidelines, 2015. Collection method: clinical testing. Allele origin: germline.

Labcorp Genetics (formerly Invitae), Labcorp
Classification: Uncertain significance for Inborn genetic diseases; Ocular cystinosis; Juvenile nephropathic cystinosis. Last evaluated: 2022-07-13. Review status: criteria provided, single submitter. Criteria: Invitae Variant Classification Sherloc (09022015). Collection method: clinical testing. Allele origin: germline.
Comment: This sequence change replaces leucine, which is neutral and non-polar, with proline, which is neutral and non-polar, at codon 241 of the CTNS protein (p.Leu241Pro). This variant is present in population databases (rs746649047, gnomAD 0.003%). This variant has not been reported in the literature in individuals affected with CTNS-related conditions. Advanced modeling of protein sequence and biophysical properties (such as structural, functional, and spatial information, amino acid conservation, physicochemical variation, residue mobility, and thermodynamic stability) performed at Invitae indicates that this missense variant is expected to disrupt CTNS protein function. In summary, the available evidence is currently insufficient to determine the role of this variant in disease. Therefore, it has been classified as a Variant of Uncertain Significance.